The following is an entry in ClinVar:

ClinVar aggregate classification (germline): Likely pathogenic (1 of 4 stars; one submission).

Conditions:
Usher syndrome type 1F (USH1F). Also called: USHER SYNDROME, TYPE IF. Identifiers: Orphanet 231169, Orphanet 886, MedGen C1865885, MONDO:0011186, OMIM 602083.

Submission:

Myriad Genetics, Inc.
Classification: Likely pathogenic for Usher syndrome type 1F. Last evaluated: 2025-03-11. Review status: criteria provided, single submitter. Criteria: Myriad Autosomal Dominant, Autosomal Recessive and X-Linked Classification Criteria (2023). Collection method: clinical testing. Allele origin: unknown.
Comment: NM_033056.3(PCDH15):c.1785-1G>A is a variant in a canonical splice site classified as likely pathogenic in the context of PCDH15-related disorders. c.1785-1G>A has not been observed in cases with relevant disease. Relevant functional assessments of this variant are not available in the literature. c.1785-1G>A has not been observed in referenced population frequency databases. In summary, NM_033056.3(PCDH15):c.1785-1G>A is a variant in a canonical splice site in a gene where loss of function is a known mechanism of disease and is predicted to disrupt protein function. Please note: this variant was assessed in the context of healthy population screening.

NM_001384140.1(PCDH15):c.1785-1G>A

Gene: PCDH15 (protocadherin related 15; minus strand). Cytogenetic location: 10q21.1.
Variant type: single nucleotide variant.
Coding change: c.1785-1G>A on transcript NM_001384140.1 (MANE Select); the canonical splice acceptor site of the intron before coding-DNA position 1785, G replaced by A.
Molecular consequence: splice acceptor variant. On other transcripts: intron variant (1).
Genome position (GRCh38, 1-based): chr10:54,133,008, C>T on the plus strand (G>A on the coding strand, the complement: PCDH15 is on the minus strand). VCF-style: chr10-54133008-C-T. GRCh37 (hg19) VCF-style: chr10-55892768-C-T.
Other names: c.1785-1G>A (NM_001354420.2, NM_001354429.2, NM_001142772.2 and 5 more transcripts); c.1800-1G>A (NM_001142771.2, NM_001142763.2); c.1806-1G>A (NM_001354411.2); c.1821-1G>A (NM_001142769.3); c.1719-1G>A (NM_001354404.2, NM_001142773.2, NM_001142768.2); c.1674-1G>A (NM_001142767.2); c.1784+20092G>A (NM_001142765.2).
Identifiers: ClinVar variation 4081760 (VCV004081760.1).